The following is an entry in ClinVar:

ClinVar aggregate classification (germline): Uncertain significance (0 of 4 stars; one submission).

Conditions:
NRP2-related disorder. Also called: NRP2-related condition.

Allele frequency attached by ClinVar (database versions not stated): ExAC 0.00001; TOPMed 0.00001; ESP Exome Variant Server 0.00008.

Submission:

PreventionGenetics, part of Exact Sciences
Classification: Uncertain significance for NRP2-related condition. Last evaluated: 2024-04-10. Review status: no assertion criteria provided. Collection method: clinical testing. Allele origin: germline.
Comment: The NRP2 c.850G>A variant is predicted to result in the amino acid substitution p.Glu284Lys. To our knowledge, this variant has not been reported in the literature. This variant is reported in 0.0062% of alleles in individuals of African descent in gnomAD. At this time, the clinical significance of this variant is uncertain due to the absence of conclusive functional and genetic evidence.

NM_003872.3(NRP2):c.850G>A (p.Glu284Lys)

Gene: NRP2 (neuropilin 2; plus strand). Cytogenetic location: 2q33.3.
Variant type: single nucleotide variant.
Coding change: c.850G>A on transcript NM_003872.3 (MANE Select); coding-DNA position 850, G replaced by A.
Protein change: p.Glu284Lys; replaces glutamic acid 284 with lysine.
Molecular consequence: missense variant.
Genome position (GRCh38, 1-based): chr2:205,725,942, G>A. VCF-style: chr2-205725942-G-A. GRCh37 (hg19) VCF-style: chr2-206590666-G-A.
Other names: c.850G>A, p.Glu284Lys (NM_018534.4, NM_201264.2, NM_201266.2 and 2 more transcripts); short protein forms E284K.
Identifiers: ClinVar variation 2629554 (VCV002629554.2), dbSNP rs377035589, ClinGen allele CA2068942.